The following is an entry in ClinVar:

NM_024642.5(GALNT12):c.828C>G (p.Ile276Met)

Gene: GALNT12 (polypeptide N-acetylgalactosaminyltransferase 12; plus strand). Cytogenetic location: 9q22.33.
Variant type: single nucleotide variant.
Coding change: c.828C>G on transcript NM_024642.5 (MANE Select); coding-DNA position 828, C replaced by G.
Protein change: p.Ile276Met; replaces isoleucine 276 with methionine.
Molecular consequence: missense variant.
Genome position (GRCh38, 1-based): chr9:98,831,868, C>G. VCF-style: chr9-98831868-C-G. GRCh37 (hg19) VCF-style: chr9-101594150-C-G.
Other names: short protein forms I276M.
Identifiers: ClinVar variation 1762754 (VCV001762754.3), dbSNP rs768925908, ClinGen allele CA5154067.

ClinVar aggregate classification (germline): Uncertain significance (1 of 4 stars; one submission).

gnomAD v4.1: 1 of 1,614,128 alleles (0.000062%); highest among the groups gnomAD compares: Non-Finnish European, 0.000085%; no homozygotes.

Submission:

Ambry Genetics
Classification: Uncertain significance. Last evaluated: 2024-05-16. Review status: criteria provided, single submitter. Criteria: Ambry Variant Classification Scheme 2023. Collection method: clinical testing. Allele origin: germline.
Comment: The p.I276M variant (also known as c.828C>G), located in coding exon 4 of the GALNT12 gene, results from a C to G substitution at nucleotide position 828. The isoleucine at codon 276 is replaced by methionine, an amino acid with highly similar properties. This amino acid position is highly conserved in available vertebrate species. In addition, the in silico prediction for this alteration is inconclusive. Since supporting evidence is limited at this time, the clinical significance of this alteration remains unclear.